The following is an entry in ClinVar:

ClinVar aggregate classification (germline): Pathogenic (1 of 4 stars; one submission).

Submission:

Labcorp Genetics (formerly Invitae), Labcorp
Classification: Pathogenic. Last evaluated: 2023-12-28. Review status: criteria provided, single submitter. Criteria: Invitae Variant Classification Sherloc (09022015). Collection method: clinical testing. Allele origin: germline.
Comment: This sequence change creates a premature translational stop signal (p.Phe1153Leufs*5) in the C2CD3 gene. It is expected to result in an absent or disrupted protein product. Loss-of-function variants in C2CD3 are known to be pathogenic (PMID: 24997988, 26477546). This variant is not present in population databases (gnomAD no frequency). This variant has not been reported in the literature in individuals affected with C2CD3-related conditions. For these reasons, this variant has been classified as Pathogenic.

Literature cited by the submitters: PubMed 24997988; PubMed 26477546.

NM_001286577.2(C2CD3):c.3459del (p.Phe1153fs)

Gene: C2CD3 (C2 domain containing 3 centriole elongation regulator; minus strand). Cytogenetic location: 11q13.4.
Variant type: Deletion.
Coding change: c.3459del on transcript NM_001286577.2 (MANE Select); coding-DNA position 3459, one base deleted (T; older notation c.3459delT).
Protein change: p.Phe1153fs; shifts the reading frame from phenylalanine 1153.
Molecular consequence: frameshift variant.
Genome position (GRCh38, 1-based): chr11:74,092,474, A deleted on the plus strand (T on the coding strand, the reverse complement: C2CD3 is on the minus strand); the first of 3 consecutive A bases (chr11:74,092,474-74,092,476); deleting any one gives the same sequence. VCF-style (leftmost placement, unchanged base first): chr11-74092473-TA-T. GRCh37 (hg19) VCF-style: chr11-73803518-TA-T.
Other names: c.3459del, p.Phe1153fs (NM_015531.6); short protein forms F1153fs.
Identifiers: ClinVar variation 2699103 (VCV002699103.3), dbSNP rs2496409837, ClinGen allele CA2697548801.
Genomic context (GRCh38, chr11:74,092,473, plus strand): 5'-TACCTGATGACTGGTTCCTCAATTCTTTCCTGTTCTCAATCCTGGGGGTTAAAGGGAGAT[TA>T]AAGGTCTGTATTCCCACATCCTCACGATGCTGGGTGGTTACCATAGCACAGATCCTTGAT-3'